The following is an entry in ClinVar:

ClinVar aggregate classification (germline): Uncertain significance (1 of 4 stars; one submission).

Conditions:
Left ventricular noncompaction 8 (LVNC8). Identifiers: Orphanet 154, Orphanet 54260, MedGen C3809288, MONDO:0014152, OMIM 615373.

Allele frequency attached by ClinVar (database versions not stated): gnomAD exomes below 0.00001.
gnomAD v4.1: 1 of 1,612,676 alleles (0.000062%); highest among the groups gnomAD compares: Non-Finnish European, 0.000085%; no homozygotes.

Submission:

Labcorp Genetics (formerly Invitae), Labcorp
Classification: Uncertain significance for Left ventricular noncompaction 8. Last evaluated: 2022-08-08. Review status: criteria provided, single submitter. Criteria: Invitae Variant Classification Sherloc (09022015). Collection method: clinical testing. Allele origin: germline.
Comment: This variant has not been reported in the literature in individuals affected with PRDM16-related conditions. This variant is not present in population databases (gnomAD no frequency). This sequence change replaces asparagine, which is neutral and polar, with lysine, which is basic and polar, at codon 748 of the PRDM16 protein (p.Asn748Lys). In summary, the available evidence is currently insufficient to determine the role of this variant in disease. Therefore, it has been classified as a Variant of Uncertain Significance. Algorithms developed to predict the effect of missense changes on protein structure and function are either unavailable or do not agree on the potential impact of this missense change (SIFT: "Deleterious"; PolyPhen-2: "Benign"; Align-GVGD: "Class C25").

NM_022114.4(PRDM16):c.2244C>G (p.Asn748Lys)

Gene: PRDM16 (PR/SET domain 16; plus strand). Cytogenetic location: 1p36.32.
Variant type: single nucleotide variant.
Coding change: c.2244C>G on transcript NM_022114.4 (MANE Select); coding-DNA position 2244, C replaced by G.
Protein change: p.Asn748Lys; replaces asparagine 748 with lysine.
Molecular consequence: missense variant.
Genome position (GRCh38, 1-based): chr1:3,412,441, C>G. VCF-style: chr1-3412441-C-G. GRCh37 (hg19) VCF-style: chr1-3329005-C-G.
Other names: c.2244C>G, p.Asn748Lys (NM_199454.3); short protein forms N748K.
Identifiers: ClinVar variation 1714123 (VCV001714123.5), dbSNP rs2523886427, ClinGen allele CA337999979.
Genomic context (GRCh38, chr1:3,412,441, plus strand): 5'-GTTCCTGCCCAACTTCCCCCACTCCCTTTACCCCTTCACGGACCGAGCCCTCGCCCACAA[C>G]TTGCTGGTCAAGGCCGAGCCAAAGTCACCCCGGGACGCCCTCAAGGTGGGCGGCCCCAGT-3'
Protein context (NP_071397.3, residues 738-758): YPFTDRALAH[Asn748Lys]LLVKAEPKSP